The following is an entry in ClinVar:

NM_198253.3(TERT):c.756G>T (p.Gly252=)

Gene: TERT (telomerase reverse transcriptase; minus strand). Cytogenetic location: 5p15.33.
Variant type: single nucleotide variant.
Coding change: c.756G>T on transcript NM_198253.3 (MANE Select); coding-DNA position 756, G replaced by T.
Protein change: p.Gly252=; no amino-acid change (glycine 252 retained).
Molecular consequence: synonymous variant. On other transcripts: non-coding transcript variant (2).
Genome position (GRCh38, 1-based): chr5:1,294,130, C>A on the plus strand (G>T on the coding strand, the complement: TERT is on the minus strand). VCF-style: chr5-1294130-C-A. GRCh37 (hg19) VCF-style: chr5-1294245-C-A.
Other names: c.756G>T, p.Gly252= (NM_001193376.3).
Identifiers: ClinVar variation 5041797 (VCV005041797.1).

ClinVar aggregate classification (germline): Likely benign (1 of 4 stars; one submission).

Submission:

CeGaT Center for Human Genetics Tuebingen
Classification: Likely benign. Last evaluated: 2026-10-01. Review status: criteria provided, single submitter. Criteria: CeGaT Center For Human Genetics Tuebingen Variant Classification Criteria Version 2. Collection method: clinical testing. Allele origin: germline. Affected: yes. Observed: 1 variant allele.
Comment: TERT: PM2:Supporting, BP4, BP7